The following is an entry in ClinVar:

ClinVar aggregate classification (germline): Benign/Likely benign. Review status: criteria provided, multiple submitters, no conflicts (2 of 4 stars). 2 submissions from 2 submitters: Benign (1); Likely benign (1). Last evaluated 2024-07-30.

Conditions:
Juvenile polyposis syndrome (JPS). Identifiers: Orphanet 2929, MedGen C0345893, MONDO:0017380, OMIM 174900.
Hereditary cancer-predisposing syndrome. Also called: Neoplastic Syndromes, Hereditary; Tumor predisposition; Hereditary neoplastic syndrome; Hereditary Cancer Syndrome. Identifiers: Orphanet 140162, MedGen C0027672, MeSH D009386, MONDO:0015356.

Submissions (2):

Myriad Genetics, Inc.
Classification: Benign for Juvenile polyposis syndrome. Last evaluated: 2024-07-30. Review status: criteria provided, single submitter. Criteria: Myriad Autosomal Dominant, Autosomal Recessive and X-Linked Classification Criteria (2023). Collection method: clinical testing. Allele origin: unknown.
Comment: This variant is considered benign. This variant is a silent/synonymous amino acid change and it is not expected to impact splicing.

Ambry Genetics
Classification: Likely benign for Hereditary cancer-predisposing syndrome. Last evaluated: 2020-03-04. Review status: criteria provided, single submitter. Criteria: Ambry Variant Classification Scheme 2023. Collection method: clinical testing. Allele origin: germline.

NM_004329.3(BMPR1A):c.63T>C (p.Val21=)

Gene: BMPR1A (bone morphogenetic protein receptor type 1A; plus strand). Cytogenetic location: 10q23.2.
Variant type: single nucleotide variant.
Coding change: c.63T>C on transcript NM_004329.3 (MANE Select); coding-DNA position 63, T replaced by C.
Protein change: p.Val21=; no amino-acid change (valine 21 retained).
Molecular consequence: synonymous variant. On other transcripts: 5 prime UTR variant (1), non-coding transcript variant (3), intron variant (4).
Genome position (GRCh38, 1-based): chr10:86,876,081, T>C. VCF-style: chr10-86876081-T-C. GRCh37 (hg19) VCF-style: chr10-88635838-T-C.
Other names: c.63T>C, p.Val21= (NM_001406559.1, NM_001406560.1, NM_001406561.1 and 23 more transcripts); c.-17T>C (NM_001406588.1); c.-17-13981T>C (NM_001406584.1, NM_001406587.1, NM_001406585.1); c.-12-13986T>C (NM_001406586.1).
Identifiers: ClinVar variation 1753334 (VCV001753334.3), dbSNP rs2539351223, ClinGen allele CA470365528.